The following is an entry in ClinVar:

NM_000077.5(CDKN2A):c.458-27C>T

Gene: CDKN2A (cyclin dependent kinase inhibitor 2A; minus strand). Cytogenetic location: 9p21.3.
Variant type: single nucleotide variant.
Coding change: c.458-27C>T on transcript NM_000077.5 (MANE Select); 27 bases into the intron before coding-DNA position 458, C replaced by T.
Molecular consequence: intron variant.
Genome position (GRCh38, 1-based): chr9:21,968,269, G>A on the plus strand (C>T on the coding strand, the complement: CDKN2A is on the minus strand). VCF-style: chr9-21968269-G-A. GRCh37 (hg19) VCF-style: chr9-21968268-G-A.
Other names: c.305-27C>T (NM_001363763.2); c.*102-27C>T (NM_058195.4); c.*151-27C>T (NM_001195132.2); c.*381-27C>T (NM_058197.5).
Identifiers: ClinVar variation 4294298 (VCV004294298.1).

ClinVar aggregate classification (germline): Benign (1 of 4 stars; one submission).

Conditions:
Melanoma-pancreatic cancer syndrome. Identifiers: Orphanet 404560, MedGen C1838547, MONDO:0011713, OMIM 606719. Disease mechanism: loss of function.

gnomAD v4.1: 3 of 1,613,452 alleles (0.00019%); highest among the groups gnomAD compares: Non-Finnish European, 0.00025%; no homozygotes.

Submission:

Myriad Genetics, Inc.
Classification: Benign for Melanoma-pancreatic cancer syndrome. Last evaluated: 2025-08-18. Review status: criteria provided, single submitter. Criteria: Myriad Autosomal Dominant, Autosomal Recessive and X-Linked Classification Criteria (2023). Collection method: clinical testing. Allele origin: unknown.
Comment: This variant is considered benign. This variant is intronic and is not expected to impact mRNA splicing.